The following is an entry in ClinVar:

NM_015465.5(GEMIN5):c.3653CCT[1] (p.Ser1219del)

Gene: GEMIN5 (gem nuclear organelle associated protein 5; minus strand). Cytogenetic location: 5q33.2.
Variant type: Microsatellite.
Coding change: c.3653CCT[1] on transcript NM_015465.5 (MANE Select); one copy of the 3-base unit CCT starting at c.3653; the reference has two copies in a row; one copy, 3 bases deleted.
Protein change: p.Ser1219del; deletes serine 1219.
Molecular consequence: inframe deletion.
Genome position (GRCh38, 1-based): chr5:154,892,489-154,892,491, AGG deleted on the plus strand (CCT on the coding strand, the reverse complement: GEMIN5 is on the minus strand); deleting any 3 consecutive bases within chr5:154,892,489-154,892,494 gives the same sequence; the position shown is the placement nearest the transcript's 3' end. VCF-style (leftmost placement, unchanged base first): chr5-154892488-CAGG-C. GRCh37 (hg19) VCF-style: chr5-154272048-CAGG-C.
Other names: c.3650CCT[1], p.Ser1218del (NM_001252156.2); c.3656_3658delCCT (NM_015465.4); short protein forms S1219del, S1218del.
Identifiers: ClinVar variation 452300 (VCV000452300.3), dbSNP rs1257244094, ClinGen allele CA563959272.

ClinVar aggregate classification (germline): Uncertain significance (1 of 4 stars; one submission).

Submission:

GeneDx
Classification: Uncertain significance. Last evaluated: 2020-06-04. Review status: criteria provided, single submitter. Criteria: GeneDx Variant Classification Process June 2021. Collection method: clinical testing. Allele origin: germline. Affected: yes.
Comment: In-frame deletion of 1 amino acid in a non-repeat region; In silico analysis supports a deleterious effect on protein structure/function; Has not been previously published as pathogenic or benign to our knowledge; Variants in candidate genes are classified as variants of uncertain significance in accordance with ACMG guidelines (Richards et al., 2015)